The following is an entry in ClinVar:

NM_000180.4(GUCY2D):c.1564A>G (p.Lys522Glu)

Gene: GUCY2D (guanylate cyclase 2D, retinal; plus strand). Cytogenetic location: 17p13.1.
Variant type: single nucleotide variant.
Coding change: c.1564A>G on transcript NM_000180.4 (MANE Select); coding-DNA position 1564, A replaced by G.
Protein change: p.Lys522Glu; replaces lysine 522 with glutamic acid.
Molecular consequence: missense variant.
Genome position (GRCh38, 1-based): chr17:8,007,526, A>G. VCF-style: chr17-8007526-A-G. GRCh37 (hg19) VCF-style: chr17-7910844-A-G.
Other names: c.1564A>G (NM_000180.3); short protein forms K522E.
Identifiers: ClinVar variation 1493938 (VCV001493938.8), dbSNP rs200189360, ClinGen allele CA8365792.

ClinVar aggregate classification (germline): Uncertain significance. Review status: criteria provided, multiple submitters, no conflicts (2 of 4 stars). 3 submissions from 3 submitters: Uncertain significance (3). Last evaluated 2025-12-06.

Conditions:
Leber congenital amaurosis 1 (LCA1). Also called: AMAUROSIS CONGENITA OF LEBER I; Congenital absence of the rods and cones; Leber's congenital tapetoretinal degeneration; Leber's congenital tapetoretinal dysplasia; RETINAL BLINDNESS, CONGENITAL. Identifiers: Orphanet 65, MedGen C2931258, MONDO:0008764, OMIM 204000.
Cone-rod dystrophy 6 (CORD6). Also called: Cone dystrophy progressive; RETINAL CONE DYSTROPHY 2. Identifiers: Orphanet 1872, MedGen C1866293, MONDO:0011143, OMIM 601777.
GUCY2D-related disorder. Also called: GUCY2D-related condition.

Allele frequency attached by ClinVar (database versions not stated): gnomAD exomes below 0.00001 and 0.00002; ExAC 0.00001; gnomAD 0.00001; TOPMed 0.00003; 1000 Genomes Project 0.00020; 1000 Genomes Project 30x 0.00031.
gnomAD v4.1: 7 of 1,579,144 alleles (0.00044%); highest among the groups gnomAD compares: Admixed American, 0.0083%; no homozygotes.

Submissions (3):

Labcorp Genetics (formerly Invitae), Labcorp
Classification: Uncertain significance for Leber congenital amaurosis 1; Cone-rod dystrophy 6. Last evaluated: 2025-12-06. Review status: criteria provided, single submitter. Criteria: Invitae Variant Classification Sherloc (09022015). Collection method: clinical testing. Allele origin: germline.
Comment: This sequence change replaces lysine, which is basic and polar, with glutamic acid, which is acidic and polar, at codon 522 of the GUCY2D protein (p.Lys522Glu). This variant is present in population databases (rs200189360, gnomAD 0.01%). This variant has not been reported in the literature in individuals affected with GUCY2D-related conditions. ClinVar contains an entry for this variant (Variation ID: 1493938). An algorithm developed to predict the effect of missense changes on protein structure and function (PolyPhen-2) suggests that this variant is likely to be tolerated. Algorithms developed to predict the effect of sequence changes on RNA splicing suggest that this variant may disrupt the consensus splice site. In summary, the available evidence is currently insufficient to determine the role of this variant in disease. Therefore, it has been classified as a Variant of Uncertain Significance.

PreventionGenetics, part of Exact Sciences
Classification: Uncertain significance for GUCY2D-related condition. Last evaluated: 2024-12-18. Review status: criteria provided, single submitter. Criteria: ACMG Guidelines, 2015. Collection method: clinical testing. Allele origin: germline.
Comment: The GUCY2D c.1564A>G variant is predicted to result in the amino acid substitution p.Lys522Glu. To our knowledge, this variant has not been reported in the literature. This variant is reported in 0.014% of alleles in individuals of Latino descent in gnomAD. At this time, the clinical significance of this variant is uncertain due to the absence of conclusive functional and genetic evidence.

Blueprint Genetics
Classification: Uncertain significance. Last evaluated: 2020-09-15. Review status: criteria provided, single submitter. Criteria: ACMG Guidelines, 2015. Collection method: clinical testing. Allele origin: germline.